The following is an entry in ClinVar:

NM_007254.4(PNKP):c.673G>C (p.Gly225Arg)

Gene: PNKP (polynucleotide kinase 3'-phosphatase; minus strand). Cytogenetic location: 19q13.33.
Variant type: single nucleotide variant.
Coding change: c.673G>C on transcript NM_007254.4 (MANE Select); coding-DNA position 673, G replaced by C.
Protein change: p.Gly225Arg; replaces glycine 225 with arginine.
Molecular consequence: missense variant.
Genome position (GRCh38, 1-based): chr19:49,864,035, C>G on the plus strand (G>C on the coding strand, the complement: PNKP is on the minus strand). VCF-style: chr19-49864035-C-G. GRCh37 (hg19) VCF-style: chr19-50367292-C-G.
Other names: short protein forms G225R.
Identifiers: ClinVar variation 1948904 (VCV001948904.5), dbSNP rs144257114, ClinGen allele CA406886286.

ClinVar aggregate classification (germline): Uncertain significance (1 of 4 stars; one submission).

Conditions:
Developmental and epileptic encephalopathy, 12 (DEE12). Identifiers: MedGen C3150988, MONDO:0013389, OMIM 613722.

gnomAD v4.1: 1 of 1,613,988 alleles (0.000062%); highest among the groups gnomAD compares: Non-Finnish European, 0.000085%; no homozygotes.

Submission:

Labcorp Genetics (formerly Invitae), Labcorp
Classification: Uncertain significance for Developmental and epileptic encephalopathy, 12. Last evaluated: 2022-01-16. Review status: criteria provided, single submitter. Criteria: Invitae Variant Classification Sherloc (09022015). Collection method: clinical testing. Allele origin: germline.
Comment: In summary, the available evidence is currently insufficient to determine the role of this variant in disease. Therefore, it has been classified as a Variant of Uncertain Significance. Algorithms developed to predict the effect of missense changes on protein structure and function output the following: SIFT: "Deleterious"; PolyPhen-2: "Possibly Damaging"; Align-GVGD: "Class C65". The arginine amino acid residue is found in multiple mammalian species, which suggests that this missense change does not adversely affect protein function. This variant has not been reported in the literature in individuals affected with PNKP-related conditions. This variant is not present in population databases (gnomAD no frequency). This sequence change replaces glycine, which is neutral and non-polar, with arginine, which is basic and polar, at codon 225 of the PNKP protein (p.Gly225Arg).